The following is an entry in ClinVar:

NM_002386.4(MC1R):c.-226A>T

Gene: MC1R (melanocortin 1 receptor; plus strand). Cytogenetic location: 16q24.3.
Variant type: single nucleotide variant.
Coding change: c.-226A>T on transcript NM_002386.4 (MANE Select); 226 bases upstream of the start codon, A replaced by T.
Molecular consequence: 5 prime UTR variant.
Genome position (GRCh38, 1-based): chr16:89,919,033, A>T. VCF-style: chr16-89919033-A-T. GRCh37 (hg19) VCF-style: chr16-89985441-A-T.
Identifiers: ClinVar variation 321411 (VCV000321411.9), dbSNP rs3212363, ClinGen allele CA10648427.
Genomic context (GRCh38, chr16:89,919,033, plus strand): 5'-AGAGGCAGGGAGGGAGCTGAGGACCAGGCTTGGTTGTGAGAATCCCTGAGCCCAGGCGGT[A>T]GATGCCAGGAGGTGTCTGGACTGGCTGGGCCATGCCTGGGCTGACCTGTCCAGCCAGGGA-3'

ClinVar aggregate classification (germline): Benign. Review status: criteria provided, multiple submitters, no conflicts (2 of 4 stars). 3 submissions from 3 submitters: Benign (3). Last evaluated 2018-06-22.

Conditions:
Melanoma, cutaneous malignant, susceptibility to, 5. Also called: Cutaneous malignant melanoma 5. Identifiers: Orphanet 618, MedGen C2751295, MONDO:0013133, OMIM 613099.

Allele frequency attached by ClinVar (database versions not stated): TOPMed 0.38023; 1000 Genomes Project 0.51418; gnomAD 0.36642 and 0.37539; 1000 Genomes Project 30x 0.51218.
gnomAD v4.1: 194,324 of 551,120 alleles (35%); highest among the groups gnomAD compares: East Asian, 73%; 40,709 homozygotes.

Submissions (3):

GeneDx
Classification: Benign. Last evaluated: 2018-06-22. Review status: criteria provided, single submitter. Criteria: GeneDx Variant Classification Process June 2021. Collection method: clinical testing. Allele origin: germline. Affected: yes.

Illumina Laboratory Services, Illumina
Classification: Benign for Melanoma, cutaneous malignant, susceptibility to, 5. Last evaluated: 2018-01-12. Review status: criteria provided, single submitter. Criteria: ICSL Variant Classification Criteria 13 December 2019. Collection method: clinical testing. Allele origin: germline.
Comment: This variant was observed in the ICSL laboratory as part of a predisposition screen in an ostensibly healthy population. It had not been previously curated by ICSL or reported in the Human Gene Mutation Database (HGMD: prior to June 1st, 2018), and was therefore a candidate for classification through an automated scoring system. Utilizing variant allele frequency, disease prevalence and penetrance estimates, and inheritance mode, an automated score was calculated to assess if this variant is too frequent to cause the disease. Based on the score and internal cut-off values, a variant classified as benign is not then subjected to further curation. The score for this variant resulted in a classification of benign for this disease.

Breakthrough Genomics
Classification: Benign. Review status: criteria provided, single submitter. Criteria: ACMG Guidelines, 2015. Collection method: not provided. Allele origin: germline. Inheritance: Autosomal recessive inheritance. Affected: yes.